The following is an entry in ClinVar:

NM_006623.4(PHGDH):c.992del (p.Pro331fs)

Gene: PHGDH (phosphoglycerate dehydrogenase; plus strand). Cytogenetic location: 1p12.
Variant type: Deletion.
Coding change: c.992del on transcript NM_006623.4 (MANE Select); coding-DNA position 992, one base deleted (C; older notation c.992delC).
Protein change: p.Pro331fs; shifts the reading frame from proline 331.
Molecular consequence: frameshift variant.
Genome position (GRCh38, 1-based): chr1:119,740,432, C deleted; the last of 2 consecutive C bases (chr1:119,740,431-119,740,432); deleting either gives the same sequence. VCF-style (leftmost placement, unchanged base first): chr1-119740430-GC-G. GRCh37 (hg19) VCF-style: chr1-120283053-GC-G.
Other names: short protein forms P331fs.
Identifiers: ClinVar variation 2858025 (VCV002858025.4), dbSNP rs2464187735, ClinGen allele CA2739275209.

ClinVar aggregate classification (germline): Pathogenic/Likely pathogenic. Review status: criteria provided, multiple submitters, no conflicts (2 of 4 stars). 2 submissions from 2 submitters: Pathogenic (1); Likely pathogenic (1). Last evaluated 2024-03-16.

Conditions:
PHGDH deficiency. Identifiers: Orphanet 79351, MedGen C1866174, MONDO:0011152, OMIM 601815.
Neu-Laxova syndrome 1 (NLS1). Identifiers: Orphanet 2671, Orphanet 583607, MedGen C4551478, MONDO:0009736, OMIM 256520. Disease mechanism: loss of function.

Submissions (2):

Fulgent Genetics
Classification: Likely pathogenic for Neu-Laxova syndrome 1; PHGDH deficiency. Last evaluated: 2024-03-16. Review status: criteria provided, single submitter. Criteria: ACMG Guidelines, 2015. Collection method: clinical testing. Allele origin: germline.

Labcorp Genetics (formerly Invitae), Labcorp
Classification: Pathogenic for PHGDH deficiency. Last evaluated: 2023-04-20. Review status: criteria provided, single submitter. Criteria: Invitae Variant Classification Sherloc (09022015). Collection method: clinical testing. Allele origin: germline.
Comment: For these reasons, this variant has been classified as Pathogenic. This variant has not been reported in the literature in individuals affected with PHGDH-related conditions. This variant is not present in population databases (gnomAD no frequency). This sequence change creates a premature translational stop signal (p.Pro331Leufs*12) in the PHGDH gene. It is expected to result in an absent or disrupted protein product. Loss-of-function variants in PHGDH are known to be pathogenic (PMID: 14645240, 24836451).

Literature cited by the submitters: PubMed 14645240 (cited by Labcorp Genetics (formerly Invitae), Labcorp); PubMed 24836451 (cited by Labcorp Genetics (formerly Invitae), Labcorp).